The following is an entry in ClinVar:

ClinVar aggregate classification (germline): Uncertain significance (1 of 4 stars; one submission).

Conditions:
Hyperaldosteronism, familial, type IV (HALD4). Also called: FH IV; ALDOSTERONISM, PRIMARY, AND HYPERTENSION. Identifiers: Orphanet 642671, MedGen C4310756, MONDO:0014875, OMIM 617027.
Idiopathic generalized epilepsy. Also called: EIG; Generalised epilepsy. Identifiers: MedGen C0270850, MONDO:0005579, OMIM 600669.

Submission:

Labcorp Genetics (formerly Invitae), Labcorp
Classification: Uncertain significance for Idiopathic generalized epilepsy; Hyperaldosteronism, familial, type IV. Last evaluated: 2022-12-12. Review status: criteria provided, single submitter. Criteria: Invitae Variant Classification Sherloc (09022015). Collection method: clinical testing. Allele origin: germline.
Comment: In summary, the available evidence is currently insufficient to determine the role of this variant in disease. Therefore, it has been classified as a Variant of Uncertain Significance. Advanced modeling of protein sequence and biophysical properties (such as structural, functional, and spatial information, amino acid conservation, physicochemical variation, residue mobility, and thermodynamic stability) performed at Invitae indicates that this missense variant is expected to disrupt CACNA1H protein function. This variant has not been reported in the literature in individuals affected with CACNA1H-related conditions. This variant is not present in population databases (gnomAD no frequency). This sequence change replaces leucine, which is neutral and non-polar, with serine, which is neutral and polar, at codon 1447 of the CACNA1H protein (p.Leu1447Ser).

NM_021098.3(CACNA1H):c.4340T>C (p.Leu1447Ser)

Gene: CACNA1H (calcium voltage-gated channel subunit alpha1 H; plus strand). Cytogenetic location: 16p13.3.
Variant type: single nucleotide variant.
Coding change: c.4340T>C on transcript NM_021098.3 (MANE Select); coding-DNA position 4340, T replaced by C.
Protein change: p.Leu1447Ser; replaces leucine 1447 with serine.
Molecular consequence: missense variant.
Genome position (GRCh38, 1-based): chr16:1,211,284, T>C. VCF-style: chr16-1211284-T-C. GRCh37 (hg19) VCF-style: chr16-1261284-T-C.
Other names: c.4340T>C, p.Leu1447Ser (NM_001005407.2); short protein forms L1447S.
Identifiers: ClinVar variation 2942273 (VCV002942273.3), dbSNP rs2548704421, ClinGen allele CA394178571.